The following is an entry in ClinVar:

ClinVar aggregate classification (germline): Conflicting classifications of pathogenicity. Review status: criteria provided, conflicting classifications (1 of 4 stars). 3 submissions from 3 submitters: Likely pathogenic (1); Uncertain significance (2). Last evaluated 2024-02-20.

Conditions:
Hypertrophic cardiomyopathy. Also called: HYPERTROPHIC MYOCARDIOPATHY. Identifiers: Orphanet 217569, MedGen C0007194, MeSH D002312, MONDO:0005045, HP:0001639.
Cardiovascular phenotype. Identifiers: MedGen CN230736.
Hypertrophic cardiomyopathy 1 (CMH1). Also called: MYH7-Related Familial Hypertrophic Cardiomyopathy; Familial hypertrophic cardiomyopathy 1. Identifiers: MedGen C3495498, MONDO:0008647, OMIM 192600.

Submissions (3):

Ambry Genetics
Classification: Uncertain significance for Cardiovascular phenotype. Last evaluated: 2024-02-20. Review status: criteria provided, single submitter. Criteria: Ambry Variant Classification Scheme 2023. Collection method: clinical testing. Allele origin: germline.
Comment: The p.P527L variant (also known as c.1580C>T), located in coding exon 14 of the MYH7 gene, results from a C to T substitution at nucleotide position 1580. The proline at codon 527 is replaced by leucine, an amino acid with similar properties. This alteration has been reported in association with hypertrophic cardiomyopathy (HCM) (Mademont-Soler I et al. PLoS One, 2017 Aug;12:e0181465). This alteration is located in the myosin head domain, which contains a statistically significant clustering of pathogenic missense variants (Homburger JR et al. Proc Natl Acad Sci U S A, 2016 06;113:6701-6; Walsh R et al. Genet Med, 2017 02;19:192-203; Ambry internal data). This amino acid position is highly conserved in available vertebrate species. In addition, this alteration is predicted to be deleterious by in silico analysis. Based on the available evidence, the clinical significance of this alteration remains unclear.

Labcorp Genetics (formerly Invitae), Labcorp
Classification: Uncertain significance for Hypertrophic cardiomyopathy. Last evaluated: 2018-07-25. Review status: criteria provided, single submitter. Criteria: Invitae Variant Classification Sherloc (09022015). Collection method: clinical testing. Allele origin: germline.
Comment: In summary, the available evidence is currently insufficient to determine the role of this variant in disease. Therefore, it has been classified as a Variant of Uncertain Significance. This variant is found within a region of MYH7 between codons 181 and 937 that contains the majority of the myosin head domain. Missense variants in this region have been shown to be significantly overrepresented in individuals with hypertrophic cardiomyopathy (PMID: 27532257). Algorithms developed to predict the effect of missense changes on protein structure and function (SIFT, PolyPhen-2, Align-GVGD) all suggest that this variant is likely to be disruptive, but these predictions have not been confirmed by published functional studies and their clinical significance is uncertain. This variant has been observed in an individual affected with hypertrophic cardiomyopathy (PMID: 28771489). This variant is not present in population databases (ExAC no frequency). This sequence change replaces proline with leucine at codon 527 of the MYH7 protein (p.Pro527Leu). The proline residue is highly conserved and there is a moderate physicochemical difference between proline and leucine.

Clinical Genetics Service, Universitary Hospital 12 de Octubre
Classification: Likely pathogenic for Hypertrophic cardiomyopathy 1. Review status: criteria provided, single submitter. Criteria: ACMG Guidelines, 2015. Collection method: clinical testing. Allele origin: germline. Affected: yes.

Literature cited by the submitters: PubMed 28771489 (cited by Ambry Genetics and Labcorp Genetics (formerly Invitae), Labcorp); PubMed 27532257 (cited by Labcorp Genetics (formerly Invitae), Labcorp).

NM_000257.4(MYH7):c.1580C>T (p.Pro527Leu)

Gene: MYH7 (myosin heavy chain 7; minus strand). Cytogenetic location: 14q11.2.
Variant type: single nucleotide variant.
Coding change: c.1580C>T on transcript NM_000257.4 (MANE Select); coding-DNA position 1580, C replaced by T.
Protein change: p.Pro527Leu; replaces proline 527 with leucine.
Molecular consequence: missense variant.
Genome position (GRCh38, 1-based): chr14:23,427,893, G>A on the plus strand (C>T on the coding strand, the complement: MYH7 is on the minus strand). VCF-style: chr14-23427893-G-A. GRCh37 (hg19) VCF-style: chr14-23897102-G-A.
Other names: short protein forms P527L.
Identifiers: ClinVar variation 651504 (VCV000651504.10), dbSNP rs1595085606, ClinGen allele CA389050265.